The following is an entry in ClinVar:

NM_145886.4(PIDD1):c.1572dup (p.Pro525fs)

Gene: PIDD1 (p53-induced death domain protein 1; minus strand). Cytogenetic location: 11p15.5.
Variant type: Duplication.
Coding change: c.1572dup on transcript NM_145886.4 (MANE Select); coding-DNA position 1572, one base duplicated (T; older notation c.1572dupT).
Protein change: p.Pro525fs; shifts the reading frame from proline 525.
Molecular consequence: frameshift variant.
Genome position (GRCh38, 1-based): chr11:801,276, A duplicated on the plus strand (T on the coding strand, the reverse complement: PIDD1 is on the minus strand). VCF-style (leftmost placement, unchanged base first): chr11-801275-G-GA. GRCh37 (hg19) VCF-style: chr11-801275-G-GA.
Other names: c.1572dup, p.Pro525fs (NM_145887.4); short protein forms P525fs.
Identifiers: ClinVar variation 5005005 (VCV005005005.2).

ClinVar aggregate classification (germline): Likely pathogenic (1 of 4 stars; one submission).

Conditions:
Intellectual developmental disorder, autosomal recessive 75, with neuropsychiatric features and variant lissencephaly (MRT75). Identifiers: MedGen C5676961, MONDO:0030785, OMIM 619827.

Submission:

Juno Genomics, Hangzhou Juno Genomics, Inc
Classification: Likely pathogenic for Intellectual developmental disorder, autosomal recessive 75, with neuropsychiatric features and variant lissencephaly. Review status: criteria provided, single submitter. Criteria: ACMG Guidelines, 2015. Collection method: clinical testing. Allele origin: germline.
Comment: Null variant in a gene where loss of function (LOF) is a known mechanism of disease.;Absent from controls (or at extremely low frequency if recessive) in Genome Aggregation Database.